The following is an entry in ClinVar:

NM_000718.4(CACNA1B):c.390+1_390+2insACGACACGGAGCCCTA

Genes: CACNA1B (calcium voltage-gated channel subunit alpha1 B; plus strand), CACNA1B-AS2 (CACNA1B antisense RNA 2; minus strand). Cytogenetic location: 9q34.3.
Variant type: Insertion.
Coding change: c.390+1_390+2insACGACACGGAGCCCTA on transcript NM_000718.4 (MANE Select); the canonical splice donor site of the intron after coding-DNA position 390, ACGACACGGAGCCCTA inserted.
Molecular consequence: splice donor variant.
Genome position: GRCh38 VCF-style: chr9-137879160-G-GACGACACGGAGCCCTA. GRCh37 (hg19) VCF-style: chr9-140773612-G-GACGACACGGAGCCCTA.
Other names: c.390+1_390+2insACGACACGGAGCCCTA (NM_001243812.2).
Identifiers: ClinVar variation 2068784 (VCV002068784.1), dbSNP rs370237172, ClinGen allele CA2580081016.

ClinVar aggregate classification (germline): Uncertain significance (1 of 4 stars; one submission).

Submission:

Labcorp Genetics (formerly Invitae), Labcorp
Classification: Uncertain significance. Last evaluated: 2022-06-28. Review status: criteria provided, single submitter. Criteria: Invitae Variant Classification Sherloc (09022015). Collection method: clinical testing. Allele origin: germline.
Comment: This sequence change falls in intron 2 of the CACNA1B gene. It does not directly change the encoded amino acid sequence of the CACNA1B protein. It affects a nucleotide within the consensus splice site. This variant is not present in population databases (gnomAD no frequency). This variant has not been reported in the literature in individuals affected with CACNA1B-related conditions. Variants that disrupt the consensus splice site are a relatively common cause of aberrant splicing (PMID: 17576681, 9536098). Algorithms developed to predict the effect of sequence changes on RNA splicing suggest that this variant may disrupt the consensus splice site. In summary, the available evidence is currently insufficient to determine the role of this variant in disease. Therefore, it has been classified as a Variant of Uncertain Significance.

Literature cited by the submitters: PubMed 17576681; PubMed 9536098.